The following is an entry in ClinVar:

ClinVar aggregate classification (germline): Uncertain significance (1 of 4 stars; one submission).

Submission:

GeneDx
Classification: Uncertain significance. Last evaluated: 2026-02-11. Review status: criteria provided, single submitter. Criteria: GeneDx Variant Classification Process June 2021. Collection method: clinical testing. Allele origin: germline.
Comment: Not observed at significant frequency in large population cohorts (gnomAD); In silico analysis suggests that this missense variant does not alter protein structure/function; Has not been previously published as pathogenic or benign to our knowledge

NM_001371928.1(AHDC1):c.1101G>T (p.Leu367Phe)

Gene: AHDC1 (AT-hook DNA binding motif containing 1; minus strand). Cytogenetic location: 1p36.11.
Variant type: single nucleotide variant.
Coding change: c.1101G>T on transcript NM_001371928.1 (MANE Select); coding-DNA position 1101, G replaced by T.
Protein change: p.Leu367Phe; replaces leucine 367 with phenylalanine.
Molecular consequence: missense variant.
Genome position (GRCh38, 1-based): chr1:27,551,015, C>A on the plus strand (G>T on the coding strand, the complement: AHDC1 is on the minus strand). VCF-style: chr1-27551015-C-A. GRCh37 (hg19) VCF-style: chr1-27877526-C-A.
Other names: c.1101G>T, p.Leu367Phe (NM_001029882.3); short protein forms L367F.
Identifiers: ClinVar variation 4532597 (VCV004532597.2).